The following is an entry in ClinVar:

NM_000271.5(NPC1):c.3493G>T (p.Val1165Leu)

Gene: NPC1 (NPC intracellular cholesterol transporter 1; minus strand). Cytogenetic location: 18q11.2.
Variant type: single nucleotide variant.
Coding change: c.3493G>T on transcript NM_000271.5 (MANE Select); coding-DNA position 3493, G replaced by T.
Protein change: p.Val1165Leu; replaces valine 1165 with leucine.
Molecular consequence: missense variant.
Genome position (GRCh38, 1-based): chr18:23,534,544, C>A on the plus strand (G>T on the coding strand, the complement: NPC1 is on the minus strand). VCF-style: chr18-23534544-C-A. GRCh37 (hg19) VCF-style: chr18-21114508-C-A.
Other names: short protein forms V1165L.
Identifiers: ClinVar variation 1501415 (VCV001501415.6), dbSNP rs748862167, ClinGen allele CA8912745.

ClinVar aggregate classification (germline): Conflicting classifications of pathogenicity. Review status: criteria provided, conflicting classifications (1 of 4 stars). 2 submissions from 2 submitters: Likely pathogenic (1); Uncertain significance (1). Last evaluated 2024-01-11.

Conditions:
Niemann-Pick disease, type C1. Also called: NIEMANN-PICK DISEASE, VARIANT TYPE C1; NEUROVISCERAL STORAGE DISEASE WITH VERTICAL SUPRANUCLEAR OPHTHALMOPLEGIA; NIEMANN-PICK DISEASE WITH CHOLESTEROL ESTERIFICATION BLOCK; NIEMANN-PICK DISEASE WITHOUT SPHINGOMYELINASE DEFICIENCY; NIEMANN-PICK DISEASE, CHRONIC NEURONOPATHIC FORM. Identifiers: Orphanet 646, MedGen C3179455, MONDO:0009757, OMIM 257220.

gnomAD v4.1: 1 of 1,613,878 alleles (0.000062%); highest among the groups gnomAD compares: East Asian, 0.0022%; no homozygotes.

Submissions (2):

Labcorp Genetics (formerly Invitae), Labcorp
Classification: Likely pathogenic for Niemann-Pick disease, type C1. Last evaluated: 2024-01-11. Review status: criteria provided, single submitter. Criteria: Invitae Variant Classification Sherloc (09022015). Collection method: clinical testing. Allele origin: germline.
Comment: This sequence change replaces valine, which is neutral and non-polar, with leucine, which is neutral and non-polar, at codon 1165 of the NPC1 protein (p.Val1165Leu). This variant is present in population databases (rs748862167, gnomAD 0.006%). This variant has not been reported in the literature in individuals affected with NPC1-related conditions. ClinVar contains an entry for this variant (Variation ID: 1501415). Advanced modeling of protein sequence and biophysical properties (such as structural, functional, and spatial information, amino acid conservation, physicochemical variation, residue mobility, and thermodynamic stability) performed at Invitae indicates that this missense variant is expected to disrupt NPC1 protein function with a positive predictive value of 95%. This variant disrupts the p.Val1165 amino acid residue in NPC1. Other variant(s) that disrupt this residue have been determined to be pathogenic (PMID: 11349231, 23430855, 26666848). This suggests that this residue is clinically significant, and that variants that disrupt this residue are likely to be disease-causing. In summary, the currently available evidence indicates that the variant is pathogenic, but additional data are needed to prove that conclusively. Therefore, this variant has been classified as Likely Pathogenic.

Women's Health and Genetics/Laboratory Corporation of America, LabCorp
Classification: Uncertain significance. Last evaluated: 2023-10-03. Review status: criteria provided, single submitter. Criteria: LabCorp Variant Classification Summary - May 2015. Collection method: clinical testing. Allele origin: germline.
Comment: Variant summary: NPC1 c.3493G>T (p.Val1165Leu) results in a conservative amino acid change in the encoded protein sequence. Four of five in-silico tools predict a damaging effect of the variant on protein function. The variant allele was found at a frequency of 4e-06 in 250836 control chromosomes (gnomAD). The available data on variant occurrences in the general population are insufficient to allow any conclusion about variant significance. c.3493G>T has been reported in the literature in a heterozygous individual affected with Parkinson disease, early onset (example: Chen_2022). This report does not provide unequivocal conclusions about association of the variant with Niemann-Pick Disease Type C. To our knowledge, no experimental evidence demonstrating an impact on protein function has been reported. The following publication has been ascertained in the context of this evaluation (PMID: 35861376). One submitter has cited clinical-significance assessments for this variant to ClinVar after 2014 and has classified the variant as likely pathogenic. Based on the evidence outlined above, the variant was classified as uncertain significance.

Literature cited by the submitters: PubMed 11349231 (cited by Labcorp Genetics (formerly Invitae), Labcorp); PubMed 23430855 (cited by Labcorp Genetics (formerly Invitae), Labcorp); PubMed 26666848 (cited by Labcorp Genetics (formerly Invitae), Labcorp); PubMed 35861376 (cited by Women's Health and Genetics/Laboratory Corporation of America, LabCorp).